The following is an entry in ClinVar:

NM_000444.6(PHEX):c.924_927dup (p.Pro310fs)

Gene: PHEX (phosphate regulating endopeptidase X-linked; plus strand). Cytogenetic location: Xp22.11.
Variant type: Duplication.
Coding change: c.924_927dup on transcript NM_000444.6 (MANE Select); coding-DNA positions 924 to 927, 4 bases duplicated (GATT; older notation c.924_927dupGATT).
Protein change: p.Pro310fs; shifts the reading frame from proline 310.
Molecular consequence: frameshift variant.
Genome position (GRCh38, 1-based): chrX:22,097,029-22,097,032, GATT duplicated; duplicating any 4 consecutive bases within chrX:22,097,028-22,097,032 gives the same sequence; the c. name uses the placement nearest the transcript's 3' end. VCF-style (leftmost placement, unchanged base first): chrX-22097027-A-ATGAT. GRCh37 (hg19) VCF-style: chrX-22115145-A-ATGAT.
Other names: c.924_927dup, p.Pro310fs (NM_001282754.2); short protein forms P310fs.
Identifiers: ClinVar variation 939493 (VCV000939493.7), dbSNP rs1930171625, ClinGen allele CA1139667287.

ClinVar aggregate classification (germline): Pathogenic (1 of 4 stars; one submission).

Submission:

Labcorp Genetics (formerly Invitae), Labcorp
Classification: Pathogenic. Last evaluated: 2019-05-20. Review status: criteria provided, single submitter. Criteria: Invitae Variant Classification Sherloc (09022015). Collection method: clinical testing. Allele origin: germline.
Comment: For these reasons, this variant has been classified as Pathogenic. Loss-of-function variants in PHEX are known to be pathogenic (PMID: 9097956, 9106524, 19219621). This variant has not been reported in the literature in individuals with PHEX-related conditions. This variant is not present in population databases (ExAC no frequency). This sequence change creates a premature translational stop signal (p.Pro310Aspfs*15) in the PHEX gene. It is expected to result in an absent or disrupted protein product.

Literature cited by the submitters: PubMed 9097956; PubMed 9106524; PubMed 19219621.